The following is an entry in ClinVar:

ClinVar aggregate classification (germline): Conflicting classifications of pathogenicity. Review status: criteria provided, conflicting classifications (1 of 4 stars). 16 submissions from 16 submitters: Uncertain significance (4); Likely benign (6). 6 of the submissions do not count toward it. Last evaluated 2026-09-30.

Conditions:
Hereditary cancer-predisposing syndrome. Also called: Neoplastic Syndromes, Hereditary; Tumor predisposition; Hereditary neoplastic syndrome; Hereditary Cancer Syndrome. Identifiers: Orphanet 140162, MedGen C0027672, MeSH D009386, MONDO:0015356.
Hereditary breast ovarian cancer syndrome. Also called: BRCA1- and BRCA2-Associated Hereditary Breast and Ovarian Cancer; Hereditary breast and/or ovarian cancer syndrome; Hereditary breast and ovarian cancer syndrome; Hereditary breast and ovarian cancer syndrome (HBOC); Hereditary breast and ovarian cancer; Breast and ovarian cancer. Identifiers: Orphanet 145, MedGen C0677776, MeSH D061325, MONDO:0003582. Disease mechanism: loss of function.
Inherited breast cancer and ovarian cancer.
Breast-ovarian cancer, familial, susceptibility to, 2 (BROVCA2). Also called: BRCA2 Hereditary Breast and Ovarian Cancer. Identifiers: Orphanet 145, MedGen C2675520, MONDO:0012933, OMIM 612555. Disease mechanism: loss of function.

Allele frequency attached by ClinVar (database versions not stated): gnomAD exomes 0.00001 and 0.00002; ExAC 0.00001.
gnomAD v4.1: 29 of 1,614,012 alleles (0.0018%); highest among the groups gnomAD compares: Non-Finnish European, 0.0024%; no homozygotes.

Submissions (16):

Genomics and Molecular Medicine Service, East Genomic Laboratory Hub, NHS Genomic Medicine Service
Classification: Uncertain significance for Inherited breast cancer and ovarian cancer. Last evaluated: 2026-09-30. Review status: criteria provided, single submitter. Criteria: ACGS Best Practice Guidelines for Variant Classification in Rare Disease 2020. Collection method: clinical testing. Allele origin: germline. Affected: yes.
Comment: PP4,BS3_Moderate

Labcorp Genetics (formerly Invitae), Labcorp
Classification: Likely benign for Hereditary breast ovarian cancer syndrome. Last evaluated: 2026-01-25. Review status: criteria provided, single submitter. Criteria: Invitae Variant Classification Sherloc (09022015). Collection method: clinical testing. Allele origin: germline.

Quest Diagnostics Nichols Institute San Juan Capistrano
Classification: Uncertain significance. Last evaluated: 2024-11-15. Review status: criteria provided, single submitter. Criteria: Quest Diagnostics criteria. Collection method: clinical testing. Allele origin: unknown.
Comment: The BRCA2 c.7463G>A (p.Arg2488Lys) variant has been reported in the published literature in individuals with hereditary breast and/or ovarian cancer (PMID: 15026808 (2004), 19471317 (2009), 35534704 (2022)). In multiple individuals, this variant has been seen where an alternate explanation for disease was also identified (URL:, Accession: SCV000695069.2). Assessment of experimental evidence regarding the effect of this variant on protein function is inconclusive. Studies show that this variant does not affect BRCA2 mRNA splicing in vitro (PMID: 21673748 (2011), 22505045 (2012)). In addition, it was able to rescue BRCA2-deficient cells (PMID: 33293522 (2020)), however, further research is needed. The frequency of this variant in the general population, 0.000012 (3/251410 chromosomes (Genome Aggregation Database)), is uninformative in the assessment of its pathogenicity. The variant is located in a region that is considered important for protein function and/or structure. Analysis of this variant using bioinformatics tools for the prediction of the effect of amino acid changes on protein structure and function yielded predictions that this variant is damaging. Based on the available information, we are unable to determine the clinical significance of this variant.

Women's Health and Genetics/Laboratory Corporation of America, LabCorp
Classification: Likely benign. Last evaluated: 2020-10-19. Review status: criteria provided, single submitter. Criteria: LabCorp Variant Classification Summary - May 2015. Collection method: clinical testing. Allele origin: germline.
Comment: Variant summary: BRCA2 c.7463G>A (p.Arg2488Lys) results in a conservative amino acid change located in the Breast cancer type 2 susceptibility protein, helical domain (IPR015252) of the encoded protein sequence. Three of five in-silico tools predict a damaging effect of the variant on protein function. The variant allele was found at a frequency of 1.2e-05 in 251410 control chromosomes (gnomAD). The available data on variant occurrences in the general population are insufficient to allow any conclusion about variant significance. c.7463G>A has been reported in the literature in individuals affected with breast cancer, ovarian cancer and acute lymphoblastic leukemia (Claes_2004, Caux-Moncoutier_2009, de Smith_2019). Claes_2004 indicated the variant did not segregate with disease for one of the affected families. These reports do not provide unequivocal conclusions about association of the variant with Hereditary Breast And Ovarian Cancer Syndrome. In addition, co-occurrences with other pathogenic variants have been reported (BRCA2 c.2745_2746delTT , p.Val917LysfsX18; BRCA1 c.1961dup, p.Tyr655ValfsX18; BRCA1 c.4183C>T, p.Gln1395X; BRCA1 c.IVS21+1G>T , c.5332+1G>T; BRCA1 c.4389C>A , p.Tyr1463X ; BRCA1 442_4357del , p.Glu149TyrfsX2, in UMD database), providing supporting evidence for a benign role. Although the variant is not located in a commonly known location to affect splicing (ie, within +/- 2 bp of an exon/intron junction), two publications found the variant to not affect splicing via functional studies (Caux-Moncoutier_2009, Houdayer_2012). Seven ClinVar submitters (evaluation after 2014) cite the variant as uncertain significance (3x) and likely benign (4x). Based on the evidence outlined above, the variant was classified as likely benign.

GeneDx
Classification: Likely benign. Last evaluated: 2020-05-26. Review status: criteria provided, single submitter. Criteria: GeneDx Variant Classification Process June 2021. Collection method: clinical testing. Allele origin: germline. Affected: yes.
Comment: This variant is associated with the following publications: (PMID: 25348012, 24817641, 19043619, 19471317, 20858050, 21673748, 22505045, 15026808, 27974384, 31102422, 31131967)

Mendelics
Classification: Likely benign for Breast-ovarian cancer, familial, susceptibility to, 2. Last evaluated: 2019-05-28. Review status: criteria provided, single submitter. Criteria: Mendelics Assertion Criteria 2017. Collection method: clinical testing. Allele origin: unknown.

Ambry Genetics
Classification: Likely benign for Hereditary cancer-predisposing syndrome. Last evaluated: 2018-07-23. Review status: criteria provided, single submitter. Criteria: Ambry Variant Classification Scheme 2023. Collection method: clinical testing. Allele origin: germline.

Color Diagnostics, LLC DBA Color Health
Classification: Likely benign for Hereditary cancer-predisposing syndrome. Last evaluated: 2017-03-31. Review status: criteria provided, single submitter. Criteria: ACMG Guidelines, 2015. Collection method: clinical testing. Allele origin: germline.

Clinical Genetics DNA and cytogenetics Diagnostics Lab, Erasmus MC, Erasmus Medical Center
Classification: Uncertain significance for Breast-ovarian cancer, familial, susceptibility to, 2. Last evaluated: 2015-09-21. Review status: criteria provided, single submitter. Criteria: ACGS Guidelines, 2013. Collection method: clinical testing. Allele origin: germline. Affected: yes. Study: VKGL Data-share Consensus.

Fulgent Genetics
Classification: Uncertain significance for Breast-ovarian cancer, familial, susceptibility to, 2. Last evaluated: 2015-08-07. Review status: criteria provided, single submitter. Criteria: ACMG Guidelines, 2015. Collection method: clinical testing. Allele origin: unknown.

Counsyl
Classification: Uncertain significance for Breast-ovarian cancer, familial, susceptibility to, 2. Last evaluated: 2016-01-22. Review status: no assertion criteria provided. Collection method: clinical testing. Allele origin: unknown. Not counted in ClinVar's aggregate classification.

Sharing Clinical Reports Project (SCRP)
Classification: Likely benign for Breast-ovarian cancer, familial 2. Last evaluated: 2012-11-29. Review status: no assertion criteria provided. Collection method: clinical testing. Allele origin: germline. Not counted in ClinVar's aggregate classification.

Breast Cancer Information Core (BIC) (BRCA2)
Classification: Uncertain significance for Breast-ovarian cancer, familial 2. Last evaluated: 2002-05-29. Review status: no assertion criteria provided. Collection method: clinical testing. Allele origin: germline. Affected: yes. Observed: 2 variant alleles. Not counted in ClinVar's aggregate classification.

Clinical Genetics Laboratory, Department of Pathology, Netherlands Cancer Institute
Classification: Uncertain significance. Review status: no assertion criteria provided. Collection method: clinical testing. Allele origin: germline. Affected: yes. Study: VKGL Data-share Consensus. Not counted in ClinVar's aggregate classification.

Department of Pathology and Laboratory Medicine, Sinai Health System
Classification: Likely benign. Review status: no assertion criteria provided. Collection method: clinical testing. Allele origin: unknown. Affected: yes. Study: The Canadian Open Genetics Repository (COGR). Not counted in ClinVar's aggregate classification.
Comment: BRCA2, EXON15, c.7463G>A, p.Arg2488Lys, Heterozygous, Likely BenignrnThe BRCA2 p.Arg2488Lys variant was identified in 3 of 7698 proband chromosomes (frequency: 0.0004) from individuals or families with breast or ovarian cancer (Claes 2004, Caux-Moncoutier 2009). The variant was also identified in dbSNP (ID: rs80358968) as "With other allele", ClinVar (classified as likely benign by GeneDx, Ambry Genetics, SCRP, Color and Integrated Genetics/Laboratory Corporation of America; and as uncertain significance by four submitters), LOVD 3.0 (14x), and UMD-LSDB (1x as neutral). In the UMD-LSDB database, the variant was identified in multiple cases as co-occurring with pathogenic BRCA1 variants (c.1961dup, p.Tyr655ValfsX18; c.4183C>T, p.Gln1395X; c.IVS21+1G>T, r.spl?; c.4389C>A, p.Tyr1463X; and c.442_4357del, p.Glu149TyrfsX2) and a pathogenic BRCA2 variant (c.2745_2746delTT, p.Val917LysfsX18), increasing the likelihood that the p.Arg2488Lys variant does not have clinical significance. The variant was identified in control databases in 3 of 246180 chromosomes at a frequency of 0.00001 (Genome Aggregation Database Feb 27, 2017). The variant was observed in the following populations: Latino in 1 of 33578 chromosomes (freq: 0.00003), European in 2 of 111652 chromosomes (freq: 0.00002), but not in the African, Other, Ashkenazi Jewish, East Asian, Finnish, or South Asian populations. The p.Arg2488 residue is conserved in mammals and computational analyses (PolyPhen-2, SIFT, AlignGVGD, BLOSUM, MutationTaster) provide inconsistent predictions regarding the impact to the protein; this information is not very predictive of pathogenicity. The variant occurs outside of the splicing consensus sequence and in silico or computational prediction software programs (SpliceSiteFinder, MaxEntScan, NNSPLICE, GeneSplicer) do not predict a difference in splicing. The literature suggests a neutral classification of the variant. Caux-Moncoutier (2009) used an allelic imbalance assay to assess the putative impact of variants on splicing; no allelic imbalance was found for the variant, suggesting that it does not impact splicing. In addition, Claes (2004) found that the variant did not segregate with disease in one family. In addition, several in silico and in vitro studies using PAXgene, Minigene systems or functional evidence identified no change and classified the variant neutral with no effect on splicing (Houdayer 2012, Martelotto 2014). In summary, based on the above information, the clinical significance of this variant cannot be determined with certainty at this time although we would lean towards a more benign role for this variant. This variant is classified as likely benign.rnAssessment Date: 2019/07/22rnReferences (PMIDs): 15026808, 19471317, 22505045, 25348012, 19043619

Joint Genome Diagnostic Labs from Nijmegen and Maastricht, Radboudumc and MUMC+
Classification: Uncertain significance. Review status: no assertion criteria provided. Collection method: clinical testing. Allele origin: germline. Affected: yes. Study: VKGL Data-share Consensus. Not counted in ClinVar's aggregate classification.

Literature cited by the submitters: PubMed 33471991 (cited by Quest Diagnostics Nichols Institute San Juan Capistrano); PubMed 27974384 (cited by Quest Diagnostics Nichols Institute San Juan Capistrano and Women's Health and Genetics/Laboratory Corporation of America, LabCorp); PubMed 33293522 (cited by Quest Diagnostics Nichols Institute San Juan Capistrano); PubMed 15026808 (cited by 3 submitters); PubMed 19471317 (cited by 3 submitters); PubMed 21673748 (cited by Quest Diagnostics Nichols Institute San Juan Capistrano and Counsyl); PubMed 25348012 (cited by Quest Diagnostics Nichols Institute San Juan Capistrano and Counsyl); PubMed 19043619 (cited by 4 submitters); PubMed 22505045 (cited by 4 submitters); PubMed 31102422 (cited by Quest Diagnostics Nichols Institute San Juan Capistrano and Women's Health and Genetics/Laboratory Corporation of America, LabCorp); PubMed 20858050 (cited by Quest Diagnostics Nichols Institute San Juan Capistrano and Ambry Genetics); PubMed 35534704 (cited by Quest Diagnostics Nichols Institute San Juan Capistrano); PubMed 38874686 (cited by Quest Diagnostics Nichols Institute San Juan Capistrano); PubMed 24817641 (cited by Counsyl).

NM_000059.4(BRCA2):c.7463G>A (p.Arg2488Lys)

Gene: BRCA2 (BRCA2 DNA repair associated; plus strand). Cytogenetic location: 13q13.1.
Variant type: single nucleotide variant.
Coding change: c.7463G>A on transcript NM_000059.4 (MANE Select); coding-DNA position 7463, G replaced by A.
Protein change: p.Arg2488Lys; replaces arginine 2488 with lysine.
Molecular consequence: missense variant.
Genome position (GRCh38, 1-based): chr13:32,356,455, G>A. VCF-style: chr13-32356455-G-A. GRCh37 (hg19) VCF-style: chr13-32930592-G-A.
Other names: p.R2488K:AGA>AAA; 7691G>A; short protein forms R2488K.
Identifiers: ClinVar variation 52336 (VCV000052336.34), dbSNP rs80358968, ClinGen allele CA025097.